The following is an entry in ClinVar:

ClinVar aggregate classification (germline): Uncertain significance (1 of 4 stars; one submission).

Conditions:
Severe combined immunodeficiency due to DNA-PKcs deficiency. Also called: IMMUNODEFICIENCY 26 WITH NEUROLOGIC ABNORMALITIES; Immunodeficiency 26 with or without neurologic abnormalities. Identifiers: Orphanet 317425, MedGen C4014833, MONDO:0014423, OMIM 615966.

Allele frequency attached by ClinVar (database versions not stated): gnomAD 0.00001; gnomAD exomes 0.00002; TOPMed 0.00002.
gnomAD v4.1: 26 of 1,613,502 alleles (0.0016%); highest among the groups gnomAD compares: Non-Finnish European, 0.0022%; no homozygotes.

Submission:

Labcorp Genetics (formerly Invitae), Labcorp
Classification: Uncertain significance for Severe combined immunodeficiency due to DNA-PKcs deficiency. Last evaluated: 2023-01-24. Review status: criteria provided, single submitter. Criteria: Invitae Variant Classification Sherloc (09022015). Collection method: clinical testing. Allele origin: germline.
Comment: This variant is not present in population databases (gnomAD no frequency). In summary, the available evidence is currently insufficient to determine the role of this variant in disease. Therefore, it has been classified as a Variant of Uncertain Significance. Advanced modeling of protein sequence and biophysical properties (such as structural, functional, and spatial information, amino acid conservation, physicochemical variation, residue mobility, and thermodynamic stability) performed at Invitae indicates that this missense variant is expected to disrupt PRKDC protein function. ClinVar contains an entry for this variant (Variation ID: 1714026). This variant has not been reported in the literature in individuals affected with PRKDC-related conditions. This sequence change replaces tyrosine, which is neutral and polar, with cysteine, which is neutral and slightly polar, at codon 4077 of the PRKDC protein (p.Tyr4077Cys).

NM_006904.7(PRKDC):c.12230A>G (p.Tyr4077Cys)

Gene: PRKDC (protein kinase, DNA-activated, catalytic subunit; minus strand). Cytogenetic location: 8q11.21.
Variant type: single nucleotide variant.
Coding change: c.12230A>G on transcript NM_006904.7 (MANE Select); coding-DNA position 12230, A replaced by G.
Protein change: p.Tyr4077Cys; replaces tyrosine 4077 with cysteine.
Molecular consequence: missense variant.
Genome position (GRCh38, 1-based): chr8:47,774,330, T>C on the plus strand (A>G on the coding strand, the complement: PRKDC is on the minus strand). VCF-style: chr8-47774330-T-C. GRCh37 (hg19) VCF-style: chr8-48686891-T-C.
Other names: c.12137A>G, p.Tyr4046Cys (NM_001081640.2); short protein forms Y4046C, Y4077C.
Identifiers: ClinVar variation 1714026 (VCV001714026.5), dbSNP rs1293561784, ClinGen allele CA371126788.